The following is an entry in ClinVar:

NM_152393.4(KLHL40):c.557T>A (p.Leu186His)

Gene: KLHL40 (kelch like family member 40; plus strand). Cytogenetic location: 3p22.1.
Variant type: single nucleotide variant.
Coding change: c.557T>A on transcript NM_152393.4 (MANE Select); coding-DNA position 557, T replaced by A.
Protein change: p.Leu186His; replaces leucine 186 with histidine.
Molecular consequence: missense variant.
Genome position (GRCh38, 1-based): chr3:42,686,175, T>A. VCF-style: chr3-42686175-T-A. GRCh37 (hg19) VCF-style: chr3-42727667-T-A.
Other names: short protein forms L186H.
Identifiers: ClinVar variation 423768 (VCV000423768.6), dbSNP rs777496833, ClinGen allele CA2336688.

ClinVar aggregate classification (germline): Conflicting classifications of pathogenicity. Review status: criteria provided, conflicting classifications (1 of 4 stars). 3 submissions from 3 submitters: Likely pathogenic (1); Uncertain significance (2). Last evaluated 2023-04-26.

Conditions:
Nemaline myopathy 8 (NEM8). Also called: Nemaline myopathy 8, autosomal recessive. Identifiers: Orphanet 171430, MedGen C3809209, MONDO:0014138, OMIM 615348.

Allele frequency attached by ClinVar (database versions not stated): gnomAD 0.00001; TOPMed 0.00001; gnomAD exomes 0.00002 and 0.00007; ExAC 0.00003.
gnomAD v4.1: 94 of 1,587,912 alleles (0.0059%); highest among the groups gnomAD compares: Non-Finnish European, 0.0079%; no homozygotes.

Submissions (3):

Revvity Omics, Revvity
Classification: Uncertain significance for Nemaline myopathy 8. Last evaluated: 2023-04-26. Review status: criteria provided, single submitter. Criteria: ACMG Guidelines, 2015. Collection method: clinical testing. Allele origin: germline.

Labcorp Genetics (formerly Invitae), Labcorp
Classification: Uncertain significance for Nemaline myopathy 8. Last evaluated: 2021-08-28. Review status: criteria provided, single submitter. Criteria: Invitae Variant Classification Sherloc (09022015). Collection method: clinical testing. Allele origin: germline.
Comment: This sequence change replaces leucine with histidine at codon 186 of the KLHL40 protein (p.Leu186His). The leucine residue is highly conserved and there is a moderate physicochemical difference between leucine and histidine. This variant is present in population databases (rs777496833, ExAC 0.005%). This variant has not been reported in the literature in individuals affected with KLHL40-related conditions. ClinVar contains an entry for this variant (Variation ID: 423768). Advanced modeling of protein sequence and biophysical properties (such as structural, functional, and spatial information, amino acid conservation, physicochemical variation, residue mobility, and thermodynamic stability) performed at Invitae indicates that this missense variant is expected to disrupt KLHL40 protein function. In summary, the available evidence is currently insufficient to determine the role of this variant in disease. Therefore, it has been classified as a Variant of Uncertain Significance.

GeneDx
Classification: Likely pathogenic. Last evaluated: 2017-03-07. Review status: criteria provided, single submitter. Criteria: GeneDx Variant Classification (06012015). Collection method: clinical testing. Allele origin: germline. Affected: yes.
Comment: The L186H variant in the KLHL40 gene has not been reported previously as a pathogenic variant, nor as a benign variant, to our knowledge. The L186H variant is not observed at a significant frequency in large population cohorts (Lek et al., 2016; 1000 Genomes Consortium et al., 2015; Exome Variant Server). The L186H variant is a non-conservative amino acid substitution, which is likely to impact secondary protein structure as these residues differ in polarity, charge, size and/or other properties. This substitution occurs at a position that is conserved across species. In silico analysis predicts this variant is probably damaging to the protein structure/function. The L186H variant is a strong candidate for a pathogenic variant, however the possibility it may be a rare benign variant cannot be excluded.